The following is an entry in ClinVar:

NM_001127222.2(CACNA1A):c.6514G>A (p.Asp2172Asn)

Gene: CACNA1A (calcium voltage-gated channel subunit alpha1 A; minus strand). Cytogenetic location: 19p13.13.
Variant type: single nucleotide variant.
Coding change: c.6514G>A on transcript NM_001127222.2 (MANE Select); coding-DNA position 6514, G replaced by A.
Protein change: p.Asp2172Asn; replaces aspartic acid 2172 with asparagine.
Molecular consequence: missense variant.
Genome position (GRCh38, 1-based): chr19:13,209,324, C>T on the plus strand (G>A on the coding strand, the complement: CACNA1A is on the minus strand). VCF-style: chr19-13209324-C-T. GRCh37 (hg19) VCF-style: chr19-13320138-C-T.
Other names: c.6532G>A, p.Asp2178Asn (NM_000068.4, NM_023035.3); c.6517G>A, p.Asp2173Asn (NM_001127221.2); c.6523G>A, p.Asp2175Asn (NM_001174080.2); short protein forms D2172N, D2173N, D2178N, D2175N.
Identifiers: ClinVar variation 645419 (VCV000645419.13), dbSNP rs370289732, ClinGen allele CA9239339.
Genomic context (GRCh38, chr19:13,209,324, plus strand): 5'-CTCCTCTCCTCTGTTCTGCTTGTCCCTGAGCACCACAGGGCTGCCCACCTGTGTCCACAT[C>T]GGTGTAGCGGCCCAGGGAGCGCTCAGAGGCGCGGTGGCTGCGGTCGCGGCGCCGCTGGTG-3'
Protein context (NP_001120694.1, residues 2162-2182): ASERSLGRYT[Asp2172Asn]VDTGLGTDLS

ClinVar aggregate classification (germline): Uncertain significance. Review status: criteria provided, multiple submitters, no conflicts (2 of 4 stars). 2 submissions from 2 submitters: Uncertain significance (2). Last evaluated 2025-02-26.

Conditions:
Developmental and epileptic encephalopathy, 42 (DEE42A). Also called: Epileptic encephalopathy, early infantile, 42; DEVELOPMENTAL AND EPILEPTIC ENCEPHALOPATHY 42A; EPILEPTIC ENCEPHALOPATHY, EARLY INFANTILE, 42A. Identifiers: MedGen C4310716, MONDO:0014917, OMIM 617106.
Episodic ataxia type 2 (EA2). Also called: CEREBELLAR ATAXIA, PAROXYSMAL, ACETAZOLAMIDE-RESPONSIVE; CEREBELLOPATHY, HEREDITARY PAROXYSMAL; EPISODIC ATAXIA, NYSTAGMUS-ASSOCIATED; ATAXIA, EPISODIC, WITH NYSTAGMUS; ATAXIA, FAMILIAL PAROXYSMAL; ACETAZOLAMIDE-RESPONSIVE HEREDITARY PAROXYSMAL CEREBELLAR ATAXIA. Identifiers: Orphanet 97, MedGen C1720416, MONDO:0007163, OMIM 108500.

Allele frequency attached by ClinVar (database versions not stated): ExAC below 0.00001; ESP Exome Variant Server 0.00008.
gnomAD v4.1: 29 of 1,400,288 alleles (0.0021%); highest among the groups gnomAD compares: South Asian, 0.0017%; no homozygotes.

Submissions (2):

Labcorp Genetics (formerly Invitae), Labcorp
Classification: Uncertain significance for Developmental and epileptic encephalopathy, 42; Episodic ataxia type 2. Last evaluated: 2025-02-26. Review status: criteria provided, single submitter. Criteria: Invitae Variant Classification Sherloc (09022015). Collection method: clinical testing. Allele origin: germline.
Comment: This sequence change replaces aspartic acid, which is acidic and polar, with asparagine, which is neutral and polar, at codon 2173 of the CACNA1A protein (p.Asp2173Asn). The frequency data for this variant in the population databases is considered unreliable, as metrics indicate poor data quality at this position in the gnomAD database. This variant has not been reported in the literature in individuals affected with CACNA1A-related conditions. ClinVar contains an entry for this variant (Variation ID: 645419). Invitae Evidence Modeling of protein sequence and biophysical properties (such as structural, functional, and spatial information, amino acid conservation, physicochemical variation, residue mobility, and thermodynamic stability) indicates that this missense variant is not expected to disrupt CACNA1A protein function with a negative predictive value of 95%. In summary, the available evidence is currently insufficient to determine the role of this variant in disease. Therefore, it has been classified as a Variant of Uncertain Significance.

GeneDx
Classification: Uncertain significance. Last evaluated: 2024-04-21. Review status: criteria provided, single submitter. Criteria: GeneDx Variant Classification Process June 2021. Collection method: clinical testing. Allele origin: germline. Affected: yes.
Comment: In silico analysis supports that this missense variant has a deleterious effect on protein structure/function; Has not been previously published as pathogenic or benign to our knowledge